The following is an entry in ClinVar:

ClinVar aggregate classification (germline): Uncertain significance. Review status: criteria provided, multiple submitters, no conflicts (2 of 4 stars). 2 submissions from 2 submitters: Uncertain significance (2). Last evaluated 2025-04-02.

Conditions:
PLXNA4-related disorder. Also called: PLXNA4-related condition.

Allele frequency attached by ClinVar (database versions not stated): gnomAD exomes 0.00001; TOPMed 0.00002; ExAC 0.00001; gnomAD 0.00001.
gnomAD v4.1: 23 of 1,612,012 alleles (0.0014%); highest among the groups gnomAD compares: Non-Finnish European, 0.0018%; no homozygotes.

Submissions (2):

PreventionGenetics, part of Exact Sciences
Classification: Uncertain significance for PLXNA4-related condition. Last evaluated: 2025-04-02. Review status: criteria provided, single submitter. Criteria: ACMG Guidelines, 2015. Collection method: clinical testing. Allele origin: germline.
Comment: The PLXNA4 c.2290A>C variant is predicted to result in the amino acid substitution p.Asn764His. To our knowledge, this variant has not been reported in the literature. This variant is reported in 0.0044% of alleles in individuals of European (Non-Finnish) descent in gnomAD. At this time, the clinical significance of this variant is uncertain due to the absence of conclusive functional and genetic evidence.

Ambry Genetics
Classification: Uncertain significance. Last evaluated: 2021-12-20. Review status: criteria provided, single submitter. Criteria: Ambry Variant Classification Scheme 2023. Collection method: clinical testing. Allele origin: germline.

NM_020911.2(PLXNA4):c.2290A>C (p.Asn764His)

Gene: PLXNA4 (plexin A4; minus strand). Cytogenetic location: 7q32.3.
Variant type: single nucleotide variant.
Coding change: c.2290A>C on transcript NM_020911.2 (MANE Select); coding-DNA position 2290, A replaced by C.
Protein change: p.Asn764His; replaces asparagine 764 with histidine.
Molecular consequence: missense variant.
Genome position (GRCh38, 1-based): chr7:132,210,951, T>G on the plus strand (A>C on the coding strand, the complement: PLXNA4 is on the minus strand). VCF-style: chr7-132210951-T-G. GRCh37 (hg19) VCF-style: chr7-131895710-T-G.
Other names: c.2290A>C, p.Asn764His (NM_001393897.1); short protein forms N764H.
Identifiers: ClinVar variation 2268345 (VCV002268345.3), dbSNP rs746507226, ClinGen allele CA4489854.
Genomic context (GRCh38, chr7:132,210,951, plus strand): 5'-TGTGGGTGGGACTGGGGCCTGGTTTGGCAGTGGGCAGGGTTGGGCGACTCACAGAGGTGT[T>G]CTGGCACTGTACGCTGGAGCTGTTGAAGCGCAGGGCGGGCACTCGCTGCTCGCTGCCCTG-3'
Protein context (NP_065962.1, residues 754-774): RFNSSSVQCQ[Asn764His]TSYSYEGMEI